The following is an entry in ClinVar:

ClinVar aggregate classification (germline): Uncertain significance (1 of 4 stars; one submission).

Conditions:
Charcot-Marie-Tooth disease axonal type 2S. Also called: CHARCOT-MARIE-TOOTH NEUROPATHY, TYPE 2S; CHARCOT-MARIE-TOOTH DISEASE, AXONAL, AUTOSOMAL RECESSIVE, TYPE 2S. Identifiers: Orphanet 443073, MedGen C4015349, MONDO:0014511, OMIM 616155.
Autosomal recessive distal spinal muscular atrophy 1. Also called: HMN VI; NEURONOPATHY, SEVERE INFANTILE AXONAL, WITH RESPIRATORY FAILURE; SEVERE INFANTILE AXONAL NEUROPATHY WITH RESPIRATORY FAILURE; SPINAL MUSCULAR ATROPHY, DIAPHRAGMATIC; Spinal muscular atrophy with respiratory distress 1; NEURONOPATHY, DISTAL HEREDITARY MOTOR, HARDING TYPE VI. Identifiers: Orphanet 98920, MedGen C1858517, MONDO:0011436, OMIM 604320.

Allele frequency attached by ClinVar (database versions not stated): gnomAD exomes below 0.00001; TOPMed below 0.00001; gnomAD 0.00001.
gnomAD v4.1: 4 of 1,611,904 alleles (0.00025%); highest among the groups gnomAD compares: East Asian, 0.0022%; no homozygotes.

Submission:

Labcorp Genetics (formerly Invitae), Labcorp
Classification: Uncertain significance for Autosomal recessive distal spinal muscular atrophy 1; Charcot-Marie-Tooth disease axonal type 2S. Last evaluated: 2022-07-19. Review status: criteria provided, single submitter. Criteria: Invitae Variant Classification Sherloc (09022015). Collection method: clinical testing. Allele origin: germline.
Comment: This sequence change replaces alanine, which is neutral and non-polar, with valine, which is neutral and non-polar, at codon 414 of the IGHMBP2 protein (p.Ala414Val). This variant is not present in population databases (gnomAD no frequency). This variant has not been reported in the literature in individuals affected with IGHMBP2-related conditions. ClinVar contains an entry for this variant (Variation ID: 534916). Advanced modeling of protein sequence and biophysical properties (such as structural, functional, and spatial information, amino acid conservation, physicochemical variation, residue mobility, and thermodynamic stability) performed at Invitae indicates that this missense variant is not expected to disrupt IGHMBP2 protein function. In summary, the available evidence is currently insufficient to determine the role of this variant in disease. Therefore, it has been classified as a Variant of Uncertain Significance.

NM_002180.3(IGHMBP2):c.1241C>T (p.Ala414Val)

Gene: IGHMBP2 (immunoglobulin mu DNA binding protein 2; plus strand). Cytogenetic location: 11q13.3.
Variant type: single nucleotide variant.
Coding change: c.1241C>T on transcript NM_002180.3 (MANE Select); coding-DNA position 1241, C replaced by T.
Protein change: p.Ala414Val; replaces alanine 414 with valine.
Molecular consequence: missense variant.
Genome position (GRCh38, 1-based): chr11:68,933,304, C>T. VCF-style: chr11-68933304-C-T. GRCh37 (hg19) VCF-style: chr11-68700772-C-T.
Other names: short protein forms A414V.
Identifiers: ClinVar variation 534916 (VCV000534916.6), dbSNP rs1465465295, ClinGen allele CA381648586.
Genomic context (GRCh38, chr11:68,933,304, plus strand): 5'-CACCTGGACTCTGGGGCTCAGGCCTGCCTTCCCCCTTTCTCCCTCCTGGGCGCAGGGCTG[C>T]GCTGGCAGGACTGTCACTCAGCCTGATGGAACGCCTGGCTGAGGAGTACGGCGCGAGGGT-3'
Protein context (NP_002171.2, residues 404-424): LPPTTVSHKA[Ala414Val]LAGLSLSLME